The following is an entry in ClinVar:

ClinVar aggregate classification (germline): Uncertain significance (1 of 4 stars; one submission).

Conditions:
Early Myoclonic Encephalopathy. Identifiers: MedGen C0270855.

Allele frequency attached by ClinVar (database versions not stated): gnomAD 0.00001.
gnomAD v4.1: 3 of 1,613,828 alleles (0.00019%); highest among the groups gnomAD compares: Non-Finnish European, 0.00025%; no homozygotes.

Submission:

Labcorp Genetics (formerly Invitae), Labcorp
Classification: Uncertain significance for Early Myoclonic Encephalopathy. Last evaluated: 2022-07-06. Review status: criteria provided, single submitter. Criteria: Invitae Variant Classification Sherloc (09022015). Collection method: clinical testing. Allele origin: germline.
Comment: This sequence change replaces proline, which is neutral and non-polar, with arginine, which is basic and polar, at codon 503 of the JMJD1C protein (p.Pro503Arg). This variant is present in population databases (no rsID available, gnomAD 0.007%). This variant has not been reported in the literature in individuals affected with JMJD1C-related conditions. Algorithms developed to predict the effect of missense changes on protein structure and function are either unavailable or do not agree on the potential impact of this missense change (SIFT: "Deleterious"; PolyPhen-2: "Benign"; Align-GVGD: "Class C0"). In summary, the available evidence is currently insufficient to determine the role of this variant in disease. Therefore, it has been classified as a Variant of Uncertain Significance.

NM_032776.3(JMJD1C):c.1508C>G (p.Pro503Arg)

Gene: JMJD1C (jumonji domain containing 1C; minus strand). Cytogenetic location: 10q21.3.
Variant type: single nucleotide variant.
Coding change: c.1508C>G on transcript NM_032776.3 (MANE Select); coding-DNA position 1508, C replaced by G.
Protein change: p.Pro503Arg; replaces proline 503 with arginine.
Molecular consequence: missense variant. On other transcripts: non-coding transcript variant (1).
Genome position (GRCh38, 1-based): chr10:63,214,659, G>C on the plus strand (C>G on the coding strand, the complement: JMJD1C is on the minus strand). VCF-style: chr10-63214659-G-C. GRCh37 (hg19) VCF-style: chr10-64974419-G-C.
Other names: c.962C>G, p.Pro321Arg (NM_001282948.2, NM_001318154.2); c.644C>G, p.Pro215Arg (NM_001318153.2); c.1394C>G, p.Pro465Arg (NM_001322252.2); c.851C>G, p.Pro284Arg (NM_001322254.2, NM_001322258.2); short protein forms P215R, P321R, P465R, P503R, P284R.
Identifiers: ClinVar variation 1953114 (VCV001953114.5), dbSNP rs754451296, ClinGen allele CA377049028.